The following is an entry in ClinVar:

ClinVar aggregate classification (germline): Uncertain significance (1 of 4 stars; one submission).

gnomAD v4.1: 1 of 1,614,070 alleles (0.000062%); highest among the groups gnomAD compares: Non-Finnish European, 0.000085%; no homozygotes.

Submission:

Labcorp Genetics (formerly Invitae), Labcorp
Classification: Uncertain significance. Last evaluated: 2024-09-29. Review status: criteria provided, single submitter. Criteria: Invitae Variant Classification Sherloc (09022015). Collection method: clinical testing. Allele origin: germline.
Comment: This sequence change falls in intron 16 of the ATP2B2 gene. It does not directly change the encoded amino acid sequence of the ATP2B2 protein. It affects a nucleotide within the consensus splice site. This variant is not present in population databases (gnomAD no frequency). This variant has not been reported in the literature in individuals affected with ATP2B2-related conditions. Variants that disrupt the consensus splice site are a relatively common cause of aberrant splicing (PMID: 17576681, 9536098). Algorithms developed to predict the effect of sequence changes on RNA splicing suggest that this variant is not likely to affect RNA splicing. In summary, the available evidence is currently insufficient to determine the role of this variant in disease. Therefore, it has been classified as a Variant of Uncertain Significance.

Literature cited by the submitters: PubMed 17576681; PubMed 9536098.

NM_001001331.4(ATP2B2):c.2917+3G>A

Gene: ATP2B2 (ATPase plasma membrane Ca2+ transporting 2; minus strand). Cytogenetic location: 3p25.3.
Variant type: single nucleotide variant.
Coding change: c.2917+3G>A on transcript NM_001001331.4 (MANE Select); 3 bases into the intron after coding-DNA position 2917, G replaced by A.
Molecular consequence: intron variant.
Genome position (GRCh38, 1-based): chr3:10,342,749, C>T on the plus strand (G>A on the coding strand, the complement: ATP2B2 is on the minus strand). VCF-style: chr3-10342749-C-T. GRCh37 (hg19) VCF-style: chr3-10384433-C-T.
Other names: c.2782+3G>A (NM_001353564.1, NM_001683.5, NM_001330611.3 and 1 more transcripts).
Identifiers: ClinVar variation 3646516 (VCV003646516.2).